The following is an entry in ClinVar:

NM_001081550.2(THOC2):c.2807A>G (p.Asp936Gly)

Gene: THOC2 (THO complex subunit 2; minus strand). Cytogenetic location: Xq25.
Variant type: single nucleotide variant.
Coding change: c.2807A>G on transcript NM_001081550.2 (MANE Select); coding-DNA position 2807, A replaced by G.
Protein change: p.Asp936Gly; replaces aspartic acid 936 with glycine.
Molecular consequence: missense variant.
Genome position (GRCh38, 1-based): chrX:123,626,613, T>C on the plus strand (A>G on the coding strand, the complement: THOC2 is on the minus strand). VCF-style: chrX-123626613-T-C. GRCh37 (hg19) VCF-style: chrX-122760464-T-C.
Other names: c.2807A>G, p.Asp936Gly (NM_001441235.1, NM_001441236.1); short protein forms D936G.
Identifiers: ClinVar variation 5017582 (VCV005017582.1).
Genomic context (GRCh38, chrX:123,626,613, plus strand): 5'-AATCTCTGTAGAACTCTCTGTACATGTTCCATCTGTTTCTTTTCTTCTTCAAGAAGCTTG[T>C]CCTGAAGGGCAGTACAGCGCTCCTTCTCTTTTTTCTTTTTATTTGGGGGCTACAAAGAAT-3'
Protein context (NP_001075019.1, residues 926-946): KEKERCTALQ[Asp936Gly]KLLEEEKKQM

ClinVar aggregate classification (germline): Uncertain significance (1 of 4 stars; one submission).

Submission:

GeneDx
Classification: Uncertain significance. Last evaluated: 2026-03-28. Review status: criteria provided, single submitter. Criteria: GeneDx Variant Classification Process June 2021. Collection method: clinical testing. Allele origin: germline.
Comment: Not observed at significant frequency in large population cohorts (gnomAD); In silico analysis supports that this missense variant has a deleterious effect on protein structure/function; Has not been previously published as pathogenic or benign to our knowledge